The following is an entry in ClinVar:

NM_006766.5(KAT6A):c.5018_5056del (p.Pro1673_Pro1685del)

Gene: KAT6A (lysine acetyltransferase 6A; minus strand). Cytogenetic location: 8p11.21.
Variant type: Deletion.
Coding change: c.5018_5056del on transcript NM_006766.5 (MANE Select); coding-DNA positions 5018 to 5056, 39 bases deleted.
Protein change: p.Pro1673_Pro1685del.
Genome position (GRCh38, 1-based): chr8:41,933,164-41,933,202, 39 bases deleted; deleting any 39 consecutive bases within chr8:41,933,164-41,933,209 gives the same sequence; the c. name uses the placement nearest the transcript's 3' end. GRCh37 (hg19): chr8:41,790,689-41,790,727.
Other names: c.5018_5056del39 (NM_006766.5).
Identifiers: ClinVar variation 4847462 (VCV004847462.1).

ClinVar aggregate classification (germline): Uncertain significance (1 of 4 stars; one submission).

Submission:

Women's Health and Genetics/Laboratory Corporation of America, LabCorp
Classification: Uncertain significance. Last evaluated: 2026-03-31. Review status: criteria provided, single submitter. Criteria: LabCorp Variant Classification Summary - May 2015. Collection method: clinical testing. Allele origin: germline.
Comment: Variant summary: KAT6A c.5018_5056del39 (p.Pro1673_Pro1685del) results in an in-frame deletion that is predicted to remove thirteen amino acids from the encoded protein. The variant was absent in 227450 control chromosomes. The available data on variant occurrences in the general population are insufficient to allow any conclusion about variant significance. To our knowledge, no occurrence of c.5018_5056del39 in individuals affected with KAT6A-related conditions and no experimental evidence demonstrating its impact on protein function have been reported. No submitters have cited clinical-significance assessments for this variant to ClinVar. Based on the evidence outlined above, the variant was classified as uncertain significance.